The following is an entry in ClinVar:

ClinVar aggregate classification (germline): Uncertain significance (1 of 4 stars; one submission).

Conditions:
Cardiovascular phenotype. Identifiers: MedGen CN230736.

gnomAD v4.1: 1 of 1,613,708 alleles (0.000062%); no homozygotes.

Submission:

Ambry Genetics
Classification: Uncertain significance for Cardiovascular phenotype. Last evaluated: 2026-03-21. Review status: criteria provided, single submitter. Criteria: Ambry Variant Classification Scheme 2023. Collection method: clinical testing. Allele origin: germline.
Comment: The p.K889E variant (also known as c.2665A>G), located in coding exon 11 of the MYPN gene, results from an A to G substitution at nucleotide position 2665. The lysine at codon 889 is replaced by glutamic acid, an amino acid with similar properties. This amino acid position is conserved. In addition, the in silico prediction for this alteration is inconclusive. Based on the available evidence, the clinical significance of this variant remains unclear.

NM_032578.4(MYPN):c.2665A>G (p.Lys889Glu)

Gene: MYPN (myopalladin; plus strand). Cytogenetic location: 10q21.3.
Variant type: single nucleotide variant.
Coding change: c.2665A>G on transcript NM_032578.4 (MANE Select); coding-DNA position 2665, A replaced by G.
Protein change: p.Lys889Glu; replaces lysine 889 with glutamic acid.
Molecular consequence: missense variant. On other transcripts: non-coding transcript variant (1).
Genome position (GRCh38, 1-based): chr10:68,175,423, A>G. VCF-style: chr10-68175423-A-G. GRCh37 (hg19) VCF-style: chr10-69935180-A-G.
Other names: c.2665A>G, p.Lys889Glu (NM_001256267.2); c.1783A>G, p.Lys595Glu (NM_001256268.2); short protein forms K595E, K889E.
Identifiers: ClinVar variation 4860694 (VCV004860694.1).